The following is an entry in ClinVar:

NM_018075.5(ANO10):c.440del (p.Pro147fs)

Gene: ANO10 (anoctamin 10; minus strand). Cytogenetic location: 3p22.1.
Variant type: Deletion.
Coding change: c.440del on transcript NM_018075.5 (MANE Select); coding-DNA position 440, one base deleted (C; older notation c.440delC).
Protein change: p.Pro147fs; shifts the reading frame from proline 147.
Molecular consequence: frameshift variant. On other transcripts: intron variant (1).
Genome position (GRCh38, 1-based): chr3:43,598,564, G deleted on the plus strand (C on the coding strand, the reverse complement: ANO10 is on the minus strand); the first of 3 consecutive G bases (chr3:43,598,564-43,598,566); deleting any one gives the same sequence. VCF-style (leftmost placement, unchanged base first): chr3-43598563-AG-A. GRCh37 (hg19) VCF-style: chr3-43640055-AG-A.
Other names: c.440del, p.Pro147fs (NM_001204831.3, NM_001204834.3, NM_001346463.2 and 4 more transcripts); c.242del, p.Pro81fs (NM_001204832.3, NM_001346466.2, NM_001346469.2); c.139+7150del (NM_001204833.3); short protein forms P81fs, P147fs.
Identifiers: ClinVar variation 2699838 (VCV002699838.3), dbSNP rs2529752728, ClinGen allele CA2697550848.

ClinVar aggregate classification (germline): Pathogenic (1 of 4 stars; one submission).

Submission:

Labcorp Genetics (formerly Invitae), Labcorp
Classification: Pathogenic. Last evaluated: 2023-11-30. Review status: criteria provided, single submitter. Criteria: Invitae Variant Classification Sherloc (09022015). Collection method: clinical testing. Allele origin: germline.
Comment: This sequence change creates a premature translational stop signal (p.Pro147Leufs*12) in the ANO10 gene. It is expected to result in an absent or disrupted protein product. Loss-of-function variants in ANO10 are known to be pathogenic (PMID: 25089919). This variant is not present in population databases (gnomAD no frequency). This variant has not been reported in the literature in individuals affected with ANO10-related conditions. For these reasons, this variant has been classified as Pathogenic.

Literature cited by the submitters: PubMed 25089919.